The following is an entry in ClinVar:

NM_000170.3(GLDC):c.1096C>T (p.Gln366Ter)

Gene: GLDC (glycine decarboxylase; minus strand). Cytogenetic location: 9p24.1.
Variant type: single nucleotide variant.
Coding change: c.1096C>T on transcript NM_000170.3 (MANE Select); coding-DNA position 1096, C replaced by T.
Protein change: p.Gln366Ter; replaces glutamine 366 with a stop codon.
Molecular consequence: nonsense.
Genome position (GRCh38, 1-based): chr9:6,602,168, G>A on the plus strand (C>T on the coding strand, the complement: GLDC is on the minus strand). VCF-style: chr9-6602168-G-A. GRCh37 (hg19) VCF-style: chr9-6602168-G-A.
Other names: short protein forms Q366*.
Identifiers: ClinVar variation 2735252 (VCV002735252.3), dbSNP rs1254300059, ClinGen allele CA372894618.

ClinVar aggregate classification (germline): Pathogenic (1 of 4 stars; one submission).

Conditions:
Glycine encephalopathy. Also called: Nonketotic hyperglycinemia; Non-ketotic hyperglycinemia. Identifiers: Orphanet 407, MedGen C0751748, MONDO:0011612, HP:0008288.

Allele frequency attached by ClinVar (database versions not stated): gnomAD exomes below 0.00001; TOPMed 0.00001.
gnomAD v4.1: 1 of 1,613,058 alleles (0.000062%); highest among the groups gnomAD compares: Non-Finnish European, 0.000085%; no homozygotes.

Submission:

Labcorp Genetics (formerly Invitae), Labcorp
Classification: Pathogenic for Glycine encephalopathy. Last evaluated: 2023-10-14. Review status: criteria provided, single submitter. Criteria: Invitae Variant Classification Sherloc (09022015). Collection method: clinical testing. Allele origin: germline.
Comment: This sequence change creates a premature translational stop signal (p.Gln366*) in the GLDC gene. It is expected to result in an absent or disrupted protein product. Loss-of-function variants in GLDC are known to be pathogenic (PMID: 16601880). This variant is present in population databases (no rsID available, gnomAD 0.0009%). This premature translational stop signal has been observed in individual(s) with nonketotic hyperglycinemia (PMID: 27362913). For these reasons, this variant has been classified as Pathogenic.

Literature cited by the submitters: PubMed 16601880; PubMed 27362913.